The following is an entry in ClinVar:

ClinVar aggregate classification (germline): Uncertain significance (1 of 4 stars; one submission).

Conditions:
3-methylcrotonyl-CoA carboxylase 2 deficiency. Also called: METHYLCROTONYLGLYCINURIA, TYPE II; 3 alpha methylcrotonyl-CoA carboxylase 2 deficiency; 3 alpha methylcrotonylglycinuria 2; MCC 2 deficiency; Methylcrotonylglycinuria type 2. Identifiers: Orphanet 6, MedGen C1859499, MONDO:0008862, OMIM 210210.

Submission:

Labcorp Genetics (formerly Invitae), Labcorp
Classification: Uncertain significance for 3-methylcrotonyl-CoA carboxylase 2 deficiency. Last evaluated: 2023-06-11. Review status: criteria provided, single submitter. Criteria: Invitae Variant Classification Sherloc (09022015). Collection method: clinical testing. Allele origin: germline.
Comment: In summary, the available evidence is currently insufficient to determine the role of this variant in disease. Therefore, it has been classified as a Variant of Uncertain Significance. This sequence change replaces serine, which is neutral and polar, with asparagine, which is neutral and polar, at codon 544 of the MCCC2 protein (p.Ser544Asn). This variant is not present in population databases (gnomAD no frequency). This variant has not been reported in the literature in individuals affected with MCCC2-related conditions. Advanced modeling of protein sequence and biophysical properties (such as structural, functional, and spatial information, amino acid conservation, physicochemical variation, residue mobility, and thermodynamic stability) has been performed at Invitae for this missense variant, however the output from this modeling did not meet the statistical confidence thresholds required to predict the impact of this variant on MCCC2 protein function.

NM_022132.5(MCCC2):c.1631G>A (p.Ser544Asn)

Gene: MCCC2 (methylcrotonyl-CoA carboxylase subunit 2; plus strand). Cytogenetic location: 5q13.2.
Variant type: single nucleotide variant.
Coding change: c.1631G>A on transcript NM_022132.5 (MANE Select); coding-DNA position 1631, G replaced by A.
Protein change: p.Ser544Asn; replaces serine 544 with asparagine.
Molecular consequence: missense variant.
Genome position (GRCh38, 1-based): chr5:71,656,799, G>A. VCF-style: chr5-71656799-G-A. GRCh37 (hg19) VCF-style: chr5-70952626-G-A.
Other names: c.1517G>A, p.Ser506Asn (NM_001363147.1); short protein forms S506N, S544N.
Identifiers: ClinVar variation 3019009 (VCV003019009.3), dbSNP rs2530870689, ClinGen allele CA360004376.